The following is an entry in ClinVar:

ClinVar aggregate classification (germline): Benign. Review status: criteria provided, multiple submitters, no conflicts (2 of 4 stars). 2 submissions from 2 submitters: Benign (2). Last evaluated 2018-06-14.

Allele frequency attached by ClinVar (database versions not stated): 1000 Genomes Project 0.25280; gnomAD exomes 0.16780; TOPMed 0.29842; gnomAD 0.28471 and 0.29920; 1000 Genomes Project 30x 0.26015.
gnomAD v4.1: 64,044 of 275,402 alleles (23%); highest among the groups gnomAD compares: African/African-American, 60%; 11,660 homozygotes.

Submissions (2):

GeneDx
Classification: Benign. Last evaluated: 2018-06-14. Review status: criteria provided, single submitter. Criteria: GeneDx Variant Classification (06012015). Collection method: clinical testing. Allele origin: germline. Affected: yes.
Comment: This variant is considered likely benign or benign based on one or more of the following criteria: it is a conservative change, it occurs at a poorly conserved position in the protein, it is predicted to be benign by multiple in silico algorithms, and/or has population frequency not consistent with disease.

Breakthrough Genomics
Classification: Benign. Review status: criteria provided, single submitter. Criteria: ACMG Guidelines, 2015. Collection method: not provided. Allele origin: germline. Inheritance: Autosomal recessive inheritance. Affected: yes.

NM_145693.2(LPIN1):c.-5609A>C

Gene: LPIN1 (lipin 1; plus strand). Cytogenetic location: 2p25.1.
Variant type: single nucleotide variant.
Coding change: c.-5609A>C on transcript NM_145693.2; 5609 bases upstream of the start codon, A replaced by C.
Molecular consequence: intron variant (on NM_001261428.3).
Genome position (GRCh38, 1-based): chr2:11,741,072, A>C. VCF-style: chr2-11741072-A-C. GRCh37 (hg19) VCF-style: chr2-11881198-A-C.
Other names: c.139-24461A>C (NM_001261428.3, NM_001349208.2); c.82-24461A>C (NM_001349207.2); c.-71-277A>C (NM_001261427.3).
Identifiers: ClinVar variation 684294 (VCV000684294.4), dbSNP rs56788115, ClinGen allele CA11057723.